The following is an entry in ClinVar:

NM_000153.4(GALC):c.393G>A (p.Trp131Ter)

Gene: GALC (galactosylceramidase; minus strand). Cytogenetic location: 14q31.3.
Variant type: single nucleotide variant.
Coding change: c.393G>A on transcript NM_000153.4 (MANE Select); coding-DNA position 393, G replaced by A.
Protein change: p.Trp131Ter; replaces tryptophan 131 with a stop codon.
Molecular consequence: nonsense. On other transcripts: 5 prime UTR variant (2), non-coding transcript variant (1).
Genome position (GRCh38, 1-based): chr14:87,986,538, C>T on the plus strand (G>A on the coding strand, the complement: GALC is on the minus strand). VCF-style: chr14-87986538-C-T. GRCh37 (hg19) VCF-style: chr14-88452882-C-T.
Other names: c.324G>A, p.Trp108Ter (NM_001201401.2); c.315G>A, p.Trp105Ter (NM_001201402.2); c.225G>A, p.Trp75Ter (NM_001424071.1, NM_001424072.1, NM_001424073.1); c.45G>A, p.Trp15Ter (NM_001424074.1, NM_001424075.1); c.-275G>A (NM_001424076.1, NM_001424077.1); short protein forms W105*, W108*, W131*, W15*, W75*.
Identifiers: ClinVar variation 3256561 (VCV003256561.1).

ClinVar aggregate classification (germline): Likely pathogenic (1 of 4 stars; one submission).

Conditions:
Galactosylceramide beta-galactosidase deficiency. Also called: Krabbe Disease; GALACTOCEREBROSIDASE DEFICIENCY; GALC DEFICIENCY; GLOBOID CELL LEUKOENCEPHALOPATHY; Leukodystrophy, Globoid Cell. Identifiers: Orphanet 487, MedGen C0023521, MONDO:0009499, OMIM 245200.

Submission:

Laboratory of Medical Genetics, National & Kapodistrian University of Athens
Classification: Likely pathogenic for Galactosylceramide beta-galactosidase deficiency. Last evaluated: 2023-09-01. Review status: criteria provided, single submitter. Criteria: ACMG Guidelines, 2015. Collection method: clinical testing. Allele origin: germline. Affected: yes.
Comment: PVS1, PM2 - Low frequency in gnomAD population databases. Loss-of-function variants in GALC are known to be pathogenic (PMID: 35013804).